The following is an entry in ClinVar:

ClinVar aggregate classification (germline): Uncertain significance (1 of 4 stars; one submission).

Conditions:
Familial Mediterranean fever (FMF). Also called: POLYSEROSITIS, FAMILIAL PAROXYSMAL; POLYSEROSITIS, RECURRENT; Periodic peritonitis; Benign paroxysmal peritonitis. Identifiers: Orphanet 342, MedGen C0031069, MONDO:0018088, OMIM 249100. Disease mechanism: gain of function.

gnomAD v4.1: 1 of 1,602,694 alleles (0.000062%); highest among the groups gnomAD compares: Admixed American, 0.0017%; no homozygotes.

Submission:

Labcorp Genetics (formerly Invitae), Labcorp
Classification: Uncertain significance for Familial Mediterranean fever. Last evaluated: 2022-09-16. Review status: criteria provided, single submitter. Criteria: Invitae Variant Classification Sherloc (09022015). Collection method: clinical testing. Allele origin: germline.
Comment: This sequence change replaces glycine, which is neutral and non-polar, with alanine, which is neutral and non-polar, at codon 152 of the MEFV protein (p.Gly152Ala). This variant is present in population databases (rs567036095, gnomAD 0.003%). This variant has not been reported in the literature in individuals affected with MEFV-related conditions. Algorithms developed to predict the effect of missense changes on protein structure and function output the following: SIFT: "Deleterious"; PolyPhen-2: "Possibly Damaging"; Align-GVGD: "Class C0". The alanine amino acid residue is found in multiple mammalian species, which suggests that this missense change does not adversely affect protein function. In summary, the available evidence is currently insufficient to determine the role of this variant in disease. Therefore, it has been classified as a Variant of Uncertain Significance.

NM_000243.3(MEFV):c.455G>C (p.Gly152Ala)

Gene: MEFV (MEFV innate immunity regulator, pyrin; minus strand). Cytogenetic location: 16p13.3.
Variant type: single nucleotide variant.
Coding change: c.455G>C on transcript NM_000243.3 (MANE Select); coding-DNA position 455, G replaced by C.
Protein change: p.Gly152Ala; replaces glycine 152 with alanine.
Molecular consequence: missense variant. On other transcripts: intron variant (1).
Genome position (GRCh38, 1-based): chr16:3,254,613, C>G on the plus strand (G>C on the coding strand, the complement: MEFV is on the minus strand). VCF-style: chr16-3254613-C-G. GRCh37 (hg19) VCF-style: chr16-3304613-C-G.
Other names: c.277+1698G>C (NM_001198536.2); short protein forms G152A.
Identifiers: ClinVar variation 2415980 (VCV002415980.3), dbSNP rs567036095, ClinGen allele CA7860424.
Genomic context (GRCh38, chr16:3,254,613, plus strand): 5'-TGCGCGTCCAGGCCCTCCGAGGCCTTCTCTCTGCGTTTGCTCAGGGGCTTCCTCGACAGC[C>G]CCCTCCCGGCCTCGGGCTGGCTGCACCGCAGGCTGGCAGCTCCGCCCCCGTACGGCCGAG-3'
Protein context (NP_000234.1, residues 142-162): LRCSQPEAGR[Gly152Ala]LSRKPLSKRR